The following is an entry in ClinVar:

NM_000426.4(LAMA2):c.2541T>A (p.Cys847Ter)

Gene: LAMA2 (laminin subunit alpha 2; plus strand). Cytogenetic location: 6q22.33.
Variant type: single nucleotide variant.
Coding change: c.2541T>A on transcript NM_000426.4 (MANE Select); coding-DNA position 2541, T replaced by A.
Protein change: p.Cys847Ter; replaces cysteine 847 with a stop codon.
Molecular consequence: nonsense.
Genome position (GRCh38, 1-based): chr6:129,287,850, T>A. VCF-style: chr6-129287850-T-A. GRCh37 (hg19) VCF-style: chr6-129608995-T-A.
Other names: c.2541T>A, p.Cys847Ter (NM_001079823.2); short protein forms C847*.
Identifiers: ClinVar variation 1363709 (VCV001363709.6), dbSNP rs2114420247, ClinGen allele CA365609702.

ClinVar aggregate classification (germline): Pathogenic (1 of 4 stars; one submission).

Conditions:
LAMA2-related muscular dystrophy (LAMA2-RD). Also called: Laminin alpha 2-related dystrophy. Identifiers: MedGen C5679788, MONDO:0100228.

Submission:

Labcorp Genetics (formerly Invitae), Labcorp
Classification: Pathogenic for LAMA2-related muscular dystrophy. Last evaluated: 2022-08-26. Review status: criteria provided, single submitter. Criteria: Invitae Variant Classification Sherloc (09022015). Collection method: clinical testing. Allele origin: germline.
Comment: ClinVar contains an entry for this variant (Variation ID: 1363709). Algorithms developed to predict the effect of sequence changes on RNA splicing suggest that this variant may create or strengthen a splice site. For these reasons, this variant has been classified as Pathogenic. This variant has not been reported in the literature in individuals affected with LAMA2-related conditions. This sequence change creates a premature translational stop signal (p.Cys847*) in the LAMA2 gene. It is expected to result in an absent or disrupted protein product. Loss-of-function variants in LAMA2 are known to be pathogenic (PMID: 18700894, 32904964). This variant is not present in population databases (gnomAD no frequency).

Literature cited by the submitters: PubMed 18700894; PubMed 32904964.